The following is an entry in ClinVar:

ClinVar aggregate classification (germline): Uncertain significance (1 of 4 stars; one submission).

Submission:

Labcorp Genetics (formerly Invitae), Labcorp
Classification: Uncertain significance. Last evaluated: 2022-10-17. Review status: criteria provided, single submitter. Criteria: Invitae Variant Classification Sherloc (09022015). Collection method: clinical testing. Allele origin: germline.
Comment: In summary, the available evidence is currently insufficient to determine the role of this variant in disease. Therefore, it has been classified as a Variant of Uncertain Significance. Advanced modeling of protein sequence and biophysical properties (such as structural, functional, and spatial information, amino acid conservation, physicochemical variation, residue mobility, and thermodynamic stability) has been performed at Invitae for this missense variant, however the output from this modeling did not meet the statistical confidence thresholds required to predict the impact of this variant on GPR143 protein function. This variant has not been reported in the literature in individuals affected with GPR143-related conditions. This variant is not present in population databases (gnomAD no frequency). This sequence change replaces alanine, which is neutral and non-polar, with threonine, which is neutral and polar, at codon 287 of the GPR143 protein (p.Ala287Thr).

NM_000273.3(GPR143):c.859G>A (p.Ala287Thr)

Gene: GPR143 (G protein-coupled receptor 143; minus strand). Cytogenetic location: Xp22.2.
Variant type: single nucleotide variant.
Coding change: c.859G>A on transcript NM_000273.3 (MANE Select); coding-DNA position 859, G replaced by A.
Protein change: p.Ala287Thr; replaces alanine 287 with threonine.
Molecular consequence: missense variant.
Genome position (GRCh38, 1-based): chrX:9,741,364, C>T on the plus strand (G>A on the coding strand, the complement: GPR143 is on the minus strand). VCF-style: chrX-9741364-C-T. GRCh37 (hg19) VCF-style: chrX-9709404-C-T.
Other names: short protein forms A287T.
Identifiers: ClinVar variation 1997432 (VCV001997432.4), dbSNP rs2518624775, ClinGen allele CA411995831.